The following is an entry in ClinVar:

ClinVar aggregate classification (germline): Uncertain significance (1 of 4 stars; one submission).

Submission:

Labcorp Genetics (formerly Invitae), Labcorp
Classification: Uncertain significance. Last evaluated: 2022-04-18. Review status: criteria provided, single submitter. Criteria: Invitae Variant Classification Sherloc (09022015). Collection method: clinical testing. Allele origin: germline.
Comment: This variant has not been reported in the literature in individuals affected with GPR143-related conditions. This sequence change replaces serine, which is neutral and polar, with leucine, which is neutral and non-polar, at codon 331 of the GPR143 protein (p.Ser331Leu). This variant is not present in population databases (gnomAD no frequency). Algorithms developed to predict the effect of missense changes on protein structure and function are either unavailable or do not agree on the potential impact of this missense change (SIFT: "Deleterious"; PolyPhen-2: "Possibly Damaging"; Align-GVGD: "Class C0"). In summary, the available evidence is currently insufficient to determine the role of this variant in disease. Therefore, it has been classified as a Variant of Uncertain Significance.

NM_000273.3(GPR143):c.992C>T (p.Ser331Leu)

Gene: GPR143 (G protein-coupled receptor 143; minus strand). Cytogenetic location: Xp22.2.
Variant type: single nucleotide variant.
Coding change: c.992C>T on transcript NM_000273.3 (MANE Select); coding-DNA position 992, C replaced by T.
Protein change: p.Ser331Leu; replaces serine 331 with leucine.
Molecular consequence: missense variant.
Genome position (GRCh38, 1-based): chrX:9,739,613, G>A on the plus strand (C>T on the coding strand, the complement: GPR143 is on the minus strand). VCF-style: chrX-9739613-G-A. GRCh37 (hg19) VCF-style: chrX-9707653-G-A.
Other names: short protein forms S331L.
Identifiers: ClinVar variation 2123830 (VCV002123830.4), dbSNP rs2518622551, ClinGen allele CA411995233.
Genomic context (GRCh38, chrX:9,739,613, plus strand): 5'-GGGTTTTCATGGGGCATCAGTGGGGATGGGTGAGCCCCCTCAGCAGCCGAGGTGGTCAGT[G>A]ATTCCCACTGGATCTCCTTCCTGGGAGACTGAAAACCCAGGCTGCATCCTGTCCAGCCGT-3'
Protein context (NP_000264.2, residues 321-341): QSPRKEIQWE[Ser331Leu]LTTSAAEGAH